The following is an entry in ClinVar:

NM_000264.5(PTCH1):c.2249A>G (p.Lys750Arg)

Genes: PTCH1 (patched 1; minus strand), LOC100507346 (uncharacterized LOC100507346; plus strand). Cytogenetic location: 9q22.32.
Variant type: single nucleotide variant.
Coding change: c.2249A>G on transcript NM_000264.5 (MANE Select); coding-DNA position 2249, A replaced by G.
Protein change: p.Lys750Arg; replaces lysine 750 with arginine.
Molecular consequence: missense variant. On other transcripts: non-coding transcript variant (2).
Genome position (GRCh38, 1-based): chr9:95,468,752, T>C on the plus strand (A>G on the coding strand, the complement: PTCH1 is on the minus strand). VCF-style: chr9-95468752-T-C. GRCh37 (hg19) VCF-style: chr9-98231034-T-C.
Other names: c.2051A>G, p.Lys684Arg (NM_001083602.3); c.2246A>G, p.Lys749Arg (NM_001083603.3); c.1796A>G, p.Lys599Arg (NM_001083604.3, NM_001083605.3, NM_001083606.3 and 1 more transcripts); c.2093A>G, p.Lys698Arg (NM_001354918.2); short protein forms K749R, K599R, K684R, K698R, K750R.
Identifiers: ClinVar variation 5027444 (VCV005027444.1).

ClinVar aggregate classification (germline): Uncertain significance (1 of 4 stars; one submission).

Conditions:
Hereditary cancer-predisposing syndrome. Also called: Neoplastic Syndromes, Hereditary; Tumor predisposition; Hereditary neoplastic syndrome; Hereditary Cancer Syndrome. Identifiers: Orphanet 140162, MedGen C0027672, MeSH D009386, MONDO:0015356.

gnomAD v4.1: 1 of 1,614,114 alleles (0.000062%); highest among the groups gnomAD compares: African/African-American, 0.0013%; no homozygotes.

Submission:

Ambry Genetics
Classification: Uncertain significance for Hereditary cancer-predisposing syndrome. Last evaluated: 2026-06-17. Review status: criteria provided, single submitter. Criteria: Ambry Variant Classification Scheme 2023. Collection method: clinical testing. Allele origin: germline.
Comment: The p.K750R variant (also known as c.2249A>G), located in coding exon 14 of the PTCH1 gene, results from an A to G substitution at nucleotide position 2249. The lysine at codon 750 is replaced by arginine, an amino acid with highly similar properties. This amino acid position is conserved. In addition, this alteration is predicted to be deleterious by in silico analysis. Based on the available evidence, the clinical significance of this variant remains unclear.